The following is an entry in ClinVar:

ClinVar aggregate classification (germline): Uncertain significance (1 of 4 stars; one submission).

Allele frequency attached by ClinVar (database versions not stated): gnomAD exomes below 0.00001.
gnomAD v4.1: 1 of 1,605,486 alleles (0.000062%); highest among the groups gnomAD compares: East Asian, 0.0022%; no homozygotes.

Submission:

Labcorp Genetics (formerly Invitae), Labcorp
Classification: Uncertain significance. Last evaluated: 2022-08-09. Review status: criteria provided, single submitter. Criteria: Invitae Variant Classification Sherloc (09022015). Collection method: clinical testing. Allele origin: germline.
Comment: In summary, the available evidence is currently insufficient to determine the role of this variant in disease. Therefore, it has been classified as a Variant of Uncertain Significance. Algorithms developed to predict the effect of missense changes on protein structure and function (SIFT, PolyPhen-2, Align-GVGD) all suggest that this variant is likely to be tolerated. ClinVar contains an entry for this variant (Variation ID: 1418506). This variant has not been reported in the literature in individuals affected with TNNT3-related conditions. This variant is not present in population databases (gnomAD no frequency). This sequence change replaces alanine, which is neutral and non-polar, with threonine, which is neutral and polar, at codon 238 of the TNNT3 protein (p.Ala238Thr).

NM_006757.4(TNNT3):c.712G>A (p.Ala238Thr)

Gene: TNNT3 (troponin T3, fast skeletal type; plus strand). Cytogenetic location: 11p15.5.
Variant type: single nucleotide variant.
Coding change: c.712G>A on transcript NM_006757.4 (MANE Select); coding-DNA position 712, G replaced by A.
Protein change: p.Ala238Thr; replaces alanine 238 with threonine.
Molecular consequence: missense variant. On other transcripts: intron variant (2).
Genome position (GRCh38, 1-based): chr11:1,936,993, G>A. VCF-style: chr11-1936993-G-A. GRCh37 (hg19) VCF-style: chr11-1958223-G-A.
Other names: c.706G>A, p.Ala236Thr (NM_001042781.3, NM_001367842.1); c.688G>A, p.Ala230Thr (NM_001042782.3, NM_001297646.2, NM_001367844.1 and 1 more transcripts); c.721G>A, p.Ala241Thr (NM_001363561.2, NM_001367847.1); c.745G>A, p.Ala249Thr (NM_001367846.1); c.709G>A, p.Ala237Thr (NM_001367848.1); c.700G>A, p.Ala234Thr (NM_001367849.1); c.655G>A, p.Ala219Thr (NM_001367850.1); c.508G>A, p.Ala170Thr (NM_001367851.1, NM_001367852.1); and 2 more; short protein forms A230T, A236T, A219T, A237T, A241T, A249T, A170T, A234T.
Identifiers: ClinVar variation 1418506 (VCV001418506.6), dbSNP rs2133534730, ClinGen allele CA379100131.
Genomic context (GRCh38, chr11:1,936,993, plus strand): 5'-GTCGCAGTGAGTCACTCATGTTGTTCACAGATCACCACGCTCAGGAGCCGCATTGACCAG[G>A]CCCAGAAGCAGTGAGTAGCCCTGCCGTCCTCGCTCCGCACTGGGCACAGGGGCCCTTGGG-3'
Protein context (NP_006748.1, residues 228-248): ITTLRSRIDQ[Ala238Thr]QKHSKKAGTP